The following is an entry in ClinVar:

NM_176869.3(PPA2):c.466G>T (p.Asp156Tyr)

Gene: PPA2 (inorganic pyrophosphatase 2; minus strand). Cytogenetic location: 4q24.
Variant type: single nucleotide variant.
Coding change: c.466G>T on transcript NM_176869.3 (MANE Select); coding-DNA position 466, G replaced by T.
Protein change: p.Asp156Tyr; replaces aspartic acid 156 with tyrosine.
Molecular consequence: missense variant. On other transcripts: intron variant (3).
Genome position (GRCh38, 1-based): chr4:105,438,012, C>A on the plus strand (G>T on the coding strand, the complement: PPA2 is on the minus strand). VCF-style: chr4-105438012-C-A. GRCh37 (hg19) VCF-style: chr4-106359169-C-A.
Other names: c.157+35882G>T (NM_176867.3); c.223-13690G>T (NM_176866.2); c.441+8371G>T (NM_006903.4); short protein forms D156Y.
Identifiers: ClinVar variation 3217002 (VCV003217002.2), dbSNP rs980284813, ClinGen allele CA102784293.

ClinVar aggregate classification (germline): Uncertain significance. Review status: criteria provided, multiple submitters, no conflicts (2 of 4 stars). 2 submissions from 2 submitters: Uncertain significance (2). Last evaluated 2024-07-08.

Conditions:
Inborn genetic diseases. Identifiers: MedGen C0950123, MeSH D030342.

Allele frequency attached by ClinVar (database versions not stated): gnomAD exomes below 0.00001; gnomAD 0.00001; TOPMed 0.00002.
gnomAD v4.1: 5 of 1,605,874 alleles (0.00031%); highest among the groups gnomAD compares: Non-Finnish European, 0.00042%; no homozygotes.

Submissions (2):

GeneDx
Classification: Uncertain significance. Last evaluated: 2024-07-08. Review status: criteria provided, single submitter. Criteria: GeneDx Variant Classification Process June 2021. Collection method: clinical testing. Allele origin: germline. Affected: yes.
Comment: Not observed at significant frequency in large population cohorts (gnomAD); In silico analysis supports that this missense variant has a deleterious effect on protein structure/function; Has not been previously published as pathogenic or benign to our knowledge

Ambry Genetics
Classification: Uncertain significance for Inborn genetic diseases. Last evaluated: 2023-12-27. Review status: criteria provided, single submitter. Criteria: Ambry Variant Classification Scheme 2023. Collection method: clinical testing. Allele origin: germline.